The following is an entry in ClinVar:

ClinVar aggregate classification (germline): Pathogenic (1 of 4 stars; one submission).

Conditions:
Treacher Collins syndrome 1 (TCS1). Also called: TCOF1-Related Treacher Collins Syndrome. Identifiers: Orphanet 861, MedGen CN315775, MONDO:0007944, OMIM 154500.

Submission:

Labcorp Genetics (formerly Invitae), Labcorp
Classification: Pathogenic for Treacher Collins syndrome 1. Last evaluated: 2019-06-04. Review status: criteria provided, single submitter. Criteria: Invitae Variant Classification Sherloc (09022015). Collection method: clinical testing. Allele origin: germline.
Comment: For these reasons, this variant has been classified as Pathogenic. Loss-of-function variants in TCOF1 are known to be pathogenic (PMID: 8894686, 22317976). This variant has not been reported in the literature in individuals with TCOF1-related conditions. This variant is not present in population databases (ExAC no frequency). This sequence change creates a premature translational stop signal (p.Ala464Profs*29) in the TCOF1 gene. It is expected to result in an absent or disrupted protein product.

Literature cited by the submitters: PubMed 8894686; PubMed 22317976.

NM_001371623.1(TCOF1):c.1389del (p.Ala464fs)

Gene: TCOF1 (treacle ribosome biogenesis factor 1; plus strand). Cytogenetic location: 5q32.
Variant type: Deletion.
Coding change: c.1389del on transcript NM_001371623.1 (MANE Select); coding-DNA position 1389, one base deleted (C; older notation c.1389delC).
Protein change: p.Ala464fs; shifts the reading frame from alanine 464.
Molecular consequence: frameshift variant.
Genome position (GRCh38, 1-based): chr5:150,375,064, C deleted; the last of 2 consecutive C bases (chr5:150,375,063-150,375,064); deleting either gives the same sequence. VCF-style (leftmost placement, unchanged base first): chr5-150375062-GC-G. GRCh37 (hg19) VCF-style: chr5-149754625-GC-G.
Other names: c.1158del, p.Ala387fs (NM_000356.4, NM_001135245.2); c.1389del, p.Ala464fs (NM_001008657.3, NM_001135243.2, NM_001135244.2 and 1 more transcripts); short protein forms A464fs, A387fs.
Identifiers: ClinVar variation 939140 (VCV000939140.8), dbSNP rs1763437825, ClinGen allele CA1139659196.